The following is an entry in ClinVar:

ClinVar aggregate classification (germline): Uncertain significance (1 of 4 stars; one submission).

Allele frequency attached by ClinVar (database versions not stated): gnomAD exomes below 0.00001.
gnomAD v4.1: 1 of 1,614,086 alleles (0.000062%); highest among the groups gnomAD compares: Non-Finnish European, 0.000085%; no homozygotes.

Submission:

Ambry Genetics
Classification: Uncertain significance. Last evaluated: 2024-01-27. Review status: criteria provided, single submitter. Criteria: Ambry Variant Classification Scheme 2023. Collection method: clinical testing. Allele origin: germline.
Comment: The p.H604Y variant (also known as c.1810C>T), located in coding exon 12 of the RINT1 gene, results from a C to T substitution at nucleotide position 1810. The histidine at codon 604 is replaced by tyrosine, an amino acid with similar properties. This amino acid position is conserved. In addition, this alteration is predicted to be tolerated by in silico analysis. Based on the available evidence, the clinical significance of this alteration remains unclear.

NM_021930.6(RINT1):c.1810C>T (p.His604Tyr)

Gene: RINT1 (RAD50 interactor 1; plus strand). Cytogenetic location: 7q22.3.
Variant type: single nucleotide variant.
Coding change: c.1810C>T on transcript NM_021930.6 (MANE Select); coding-DNA position 1810, C replaced by T.
Protein change: p.His604Tyr; replaces histidine 604 with tyrosine.
Molecular consequence: missense variant. On other transcripts: non-coding transcript variant (1).
Genome position (GRCh38, 1-based): chr7:105,563,871, C>T. VCF-style: chr7-105563871-C-T. GRCh37 (hg19) VCF-style: chr7-105204318-C-T.
Other names: c.1576C>T, p.His526Tyr (NM_001346599.2); c.787C>T, p.His263Tyr (NM_001346600.2, NM_001346603.2); c.886C>T, p.His296Tyr (NM_001346601.2); short protein forms H263Y, H296Y, H526Y, H604Y.
Identifiers: ClinVar variation 3227617 (VCV003227617.1), dbSNP rs2485176122, ClinGen allele CA368814016.